The following is an entry in ClinVar:

NM_001232.4(CASQ2):c.1082G>C (p.Trp361Ser)

Gene: CASQ2 (calsequestrin 2; minus strand). Cytogenetic location: 1p13.1.
Variant type: single nucleotide variant.
Coding change: c.1082G>C on transcript NM_001232.4 (MANE Select); coding-DNA position 1082, G replaced by C.
Protein change: p.Trp361Ser; replaces tryptophan 361 with serine.
Molecular consequence: missense variant.
Genome position (GRCh38, 1-based): chr1:115,701,359, C>G on the plus strand (G>C on the coding strand, the complement: CASQ2 is on the minus strand). VCF-style: chr1-115701359-C-G. GRCh37 (hg19) VCF-style: chr1-116243980-C-G.
Other names: p.W361S:TGG>TCG; short protein forms W361S.
Identifiers: ClinVar variation 190748 (VCV000190748.9), dbSNP rs786205792, ClinGen allele CA301913.

ClinVar aggregate classification (germline): Uncertain significance. Review status: criteria provided, multiple submitters, no conflicts (2 of 4 stars). 4 submissions from 4 submitters: Uncertain significance (4). Last evaluated 2023-07-28.

Conditions:
Cardiovascular phenotype. Identifiers: MedGen CN230736.
Catecholaminergic polymorphic ventricular tachycardia 1. Also called: RYR2-Related Catecholaminergic Polymorphic Ventricular Tachycardia; VENTRICULAR TACHYCARDIA, STRESS-INDUCED POLYMORPHIC 1; VENTRICULAR TACHYCARDIA, CATECHOLAMINERGIC POLYMORPHIC, 1, WITH OR WITHOUT ATRIAL DYSFUNCTION AND/OR DILATED CARDIOMYOPATHY. Identifiers: Orphanet 3286, MedGen C1631597, MONDO:0011484, OMIM 604772.
Catecholaminergic polymorphic ventricular tachycardia 2. Also called: CASQ2-Related Catecholaminergic Polymorphic Ventricular Tachycardia; VENTRICULAR TACHYCARDIA, STRESS-INDUCED POLYMORPHIC 2. Identifiers: Orphanet 3286, MedGen C2677794, MONDO:0012762, OMIM 611938.

Submissions (4):

Labcorp Genetics (formerly Invitae), Labcorp
Classification: Uncertain significance for Catecholaminergic polymorphic ventricular tachycardia 1. Last evaluated: 2023-07-28. Review status: criteria provided, single submitter. Criteria: Invitae Variant Classification Sherloc (09022015). Collection method: clinical testing. Allele origin: germline.
Comment: Advanced modeling of protein sequence and biophysical properties (such as structural, functional, and spatial information, amino acid conservation, physicochemical variation, residue mobility, and thermodynamic stability) performed at Invitae indicates that this missense variant is expected to disrupt CASQ2 protein function. ClinVar contains an entry for this variant (Variation ID: 190748). This missense change has been observed in individual(s) with catecholaminergic polymorphic ventricular tachycardia (PMID: 29766881; Inviate). This variant is not present in population databases (gnomAD no frequency). This sequence change replaces tryptophan, which is neutral and slightly polar, with serine, which is neutral and polar, at codon 361 of the CASQ2 protein (p.Trp361Ser). In summary, the available evidence is currently insufficient to determine the role of this variant in disease. Therefore, it has been classified as a Variant of Uncertain Significance.

GeneDx
Classification: Uncertain significance. Last evaluated: 2023-05-24. Review status: criteria provided, single submitter. Criteria: GeneDx Variant Classification Process June 2021. Collection method: clinical testing. Allele origin: germline. Affected: yes.
Comment: Not observed at significant frequency in large population cohorts (gnomAD); Identified in patients with sudden cardiac arrest referred for genetic testing at GeneDx and in published literature (Ostby et al., 2016); In silico analysis supports that this missense variant has a deleterious effect on protein structure/function; This variant is associated with the following publications: (PMID: 29766881)

Genome-Nilou Lab
Classification: Uncertain significance for Catecholaminergic polymorphic ventricular tachycardia 2. Last evaluated: 2023-04-11. Review status: criteria provided, single submitter. Criteria: ACMG Guidelines, 2015. Collection method: clinical testing. Allele origin: germline. Affected: no.

Ambry Genetics
Classification: Uncertain significance for Cardiovascular phenotype. Last evaluated: 2022-10-28. Review status: criteria provided, single submitter. Criteria: Ambry Variant Classification Scheme 2023. Collection method: clinical testing. Allele origin: germline.
Comment: The p.W361S variant (also known as c.1082G>C), located in coding exon 11 of the CASQ2 gene, results from a G to C substitution at nucleotide position 1082. The tryptophan at codon 361 is replaced by serine, an amino acid with highly dissimilar properties. This alteration has been reported as heterozygous in an individual with concerns for catecholaminergic polymorphic ventricular tachycardia (CPVT) (Ostby SA et al. JACC Clin Electrophysiol, 2016 Jun;2:253-262). This amino acid position is highly conserved in available vertebrate species. In addition, this alteration is predicted to be deleterious by in silico analysis. Since supporting evidence is limited at this time, the clinical significance of this alteration remains unclear.

Literature cited by the submitters: PubMed 29766881 (cited by Labcorp Genetics (formerly Invitae), Labcorp and Ambry Genetics).